The following is an entry in ClinVar:

ClinVar aggregate classification (germline): Pathogenic (1 of 4 stars; one submission).

Submission:

CeGaT Center for Human Genetics Tuebingen
Classification: Pathogenic. Last evaluated: 2025-12-01. Review status: criteria provided, single submitter. Criteria: CeGaT Center For Human Genetics Tuebingen Variant Classification Criteria Version 2. Collection method: clinical testing. Allele origin: germline. Affected: yes. Observed: 1 variant allele.
Comment: MYH11: PVS1, PM2

NM_002474.3(MYH11):c.5350G>T (p.Glu1784Ter)

Genes: MYH11 (myosin heavy chain 11; minus strand), NDE1 (nudE neurodevelopment protein 1; plus strand). Cytogenetic location: 16p13.11.
Variant type: single nucleotide variant.
Coding change: c.5350G>T on transcript NM_002474.3 (MANE Select); coding-DNA position 5350, G replaced by T.
Protein change: p.Glu1784Ter; replaces glutamic acid 1784 with a stop codon.
Molecular consequence: nonsense. On other transcripts: intron variant (2).
Genome position (GRCh38, 1-based): chr16:15,717,294, C>A on the plus strand (G>T on the coding strand, the complement: MYH11 is on the minus strand). VCF-style: chr16-15717294-C-A. GRCh37 (hg19) VCF-style: chr16-15811151-C-A.
Other names: c.5371G>T, p.Glu1791Ter (NM_001040113.2, NM_001040114.2); c.5350G>T, p.Glu1784Ter (NM_022844.3); c.948-6897C>A (NM_001143979.2, NM_017668.3); short protein forms E1784*, E1791*.
Identifiers: ClinVar variation 4534028 (VCV004534028.6).